The following is an entry in ClinVar:

ClinVar aggregate classification (germline): Uncertain significance (1 of 4 stars; one submission).

Conditions:
Hyperphosphatasia with intellectual disability syndrome 5 (GPIBD11). Also called: GLYCOSYLPHOSPHATIDYLINOSITOL BIOSYNTHESIS DEFECT 11. Identifiers: Orphanet 247262, MedGen C4014958, MONDO:0014457, OMIM 616025.

Allele frequency attached by ClinVar (database versions not stated): TOPMed 0.00001; gnomAD exomes 0.00001; ExAC 0.00001.
gnomAD v4.1: 18 of 1,613,806 alleles (0.0011%); highest among the groups gnomAD compares: South Asian, 0.0055%; no homozygotes.

Submission:

Labcorp Genetics (formerly Invitae), Labcorp
Classification: Uncertain significance for Hyperphosphatasia with intellectual disability syndrome 5. Last evaluated: 2022-06-20. Review status: criteria provided, single submitter. Criteria: Invitae Variant Classification Sherloc (09022015). Collection method: clinical testing. Allele origin: germline.
Comment: This sequence change creates a premature translational stop signal (p.Arg99*) in the PIGW gene. While this is not anticipated to result in nonsense mediated decay, it is expected to disrupt the last 406 amino acid(s) of the PIGW protein. This variant is present in population databases (rs745493713, gnomAD 0.006%). This variant has not been reported in the literature in individuals affected with PIGW-related conditions. Experimental studies and prediction algorithms are not available or were not evaluated, and the functional significance of this variant is currently unknown. In summary, the available evidence is currently insufficient to determine the role of this variant in disease. Therefore, it has been classified as a Variant of Uncertain Significance.

NM_001346754.2(PIGW):c.295C>T (p.Arg99Ter)

Genes: MYO19 (myosin XIX; minus strand), PIGW (phosphatidylinositol glycan anchor biosynthesis class W; plus strand). Cytogenetic location: 17q12.
Variant type: single nucleotide variant.
Coding change: c.295C>T on transcript NM_001346754.2 (MANE Select); coding-DNA position 295, C replaced by T.
Protein change: p.Arg99Ter; replaces arginine 99 with a stop codon.
Molecular consequence: nonsense.
Genome position (GRCh38, 1-based): chr17:36,537,396, C>T. VCF-style: chr17-36537396-C-T. GRCh37 (hg19) VCF-style: chr17-34893245-C-T.
Other names: c.295C>T, p.Arg99Ter (NM_001346755.2, NM_178517.5); short protein forms R99*.
Identifiers: ClinVar variation 1387860 (VCV001387860.5), dbSNP rs745493713, ClinGen allele CA290115837.